The following is an entry in ClinVar:

NM_014391.3(ANKRD1):c.647A>C (p.Asp216Ala)

Gene: ANKRD1 (ankyrin repeat domain 1; minus strand). Cytogenetic location: 10q23.31.
Variant type: single nucleotide variant.
Coding change: c.647A>C on transcript NM_014391.3 (MANE Select); coding-DNA position 647, A replaced by C.
Protein change: p.Asp216Ala; replaces aspartic acid 216 with alanine.
Molecular consequence: missense variant.
Genome position (GRCh38, 1-based): chr10:90,916,175, T>G on the plus strand (A>C on the coding strand, the complement: ANKRD1 is on the minus strand). VCF-style: chr10-90916175-T-G. GRCh37 (hg19) VCF-style: chr10-92675932-T-G.
Other names: short protein forms D216A.
Identifiers: ClinVar variation 4858546 (VCV004858546.1).
Genomic context (GRCh38, chr10:90,916,175, plus strand): 5'-ATGGGGGACAGGGAGGGGGAGGGGGTGAATGAAGGGAGAAGGAGAAGAAGGAATACCTTA[T>G]CTCGGGCGCTAATTTTTGCTCCTTTATTCAGCAACAATTTTAAAACATCCAGGTTTCCTC-3'
Protein context (NP_055206.2, residues 206-226): LNKGAKISAR[Asp216Ala]KLLSTALHVA

ClinVar aggregate classification (germline): Uncertain significance (1 of 4 stars; one submission).

Conditions:
Cardiovascular phenotype. Identifiers: MedGen CN230736.

Submission:

Ambry Genetics
Classification: Uncertain significance for Cardiovascular phenotype. Last evaluated: 2026-06-06. Review status: criteria provided, single submitter. Criteria: Ambry Variant Classification Scheme 2023. Collection method: clinical testing. Allele origin: germline.
Comment: The p.D216A variant (also known as c.647A>C), located in coding exon 6 of the ANKRD1 gene, results from an A to C substitution at nucleotide position 647. The aspartic acid at codon 216 is replaced by alanine, an amino acid with dissimilar properties. This amino acid position is conserved. In addition, this alteration is predicted to be deleterious by in silico analysis. Based on the available evidence, the clinical significance of this variant remains unclear.